The following is an entry in ClinVar:

ClinVar aggregate classification (germline): Uncertain significance (1 of 4 stars; one submission).

Submission:

GeneDx
Classification: Uncertain significance. Last evaluated: 2025-11-06. Review status: criteria provided, single submitter. Criteria: GeneDx Variant Classification Process June 2021. Collection method: clinical testing. Allele origin: germline.
Comment: Not observed at significant frequency in large population cohorts (gnomAD); In silico analysis supports that this missense variant has a deleterious effect on protein structure/function; Has not been previously published as pathogenic or benign to our knowledge

NM_032271.3(TRAF7):c.1210G>T (p.Val404Phe)

Gene: TRAF7 (TNF receptor associated factor 7; plus strand). Cytogenetic location: 16p13.3.
Variant type: single nucleotide variant.
Coding change: c.1210G>T on transcript NM_032271.3 (MANE Select); coding-DNA position 1210, G replaced by T.
Protein change: p.Val404Phe; replaces valine 404 with phenylalanine.
Molecular consequence: missense variant.
Genome position (GRCh38, 1-based): chr16:2,173,995, G>T. VCF-style: chr16-2173995-G-T. GRCh37 (hg19) VCF-style: chr16-2223996-G-T.
Other names: short protein forms V404F.
Identifiers: ClinVar variation 3253392 (VCV003253392.2), dbSNP rs200505184.